The following is an entry in ClinVar:

ClinVar aggregate classification (germline): Conflicting classifications of pathogenicity. Review status: criteria provided, conflicting classifications (1 of 4 stars). 2 submissions from 2 submitters: Uncertain significance (1); Likely benign (1). Last evaluated 2026-03-19.

Conditions:
Von Hippel-Lindau syndrome (VHLS). Also called: Von Hippel-Lindau; von Hippel–Lindau syndrome; VHL syndrome. Identifiers: Orphanet 892, MedGen C0019562, MONDO:0008667, OMIM 193300. Disease mechanism: loss of function.
Chuvash polycythemia. Also called: POLYCYTHEMIA, VHL-DEPENDENT. Identifiers: Orphanet 238557, MedGen C1837915, MONDO:0009892, OMIM 263400.
Hereditary cancer-predisposing syndrome. Also called: Hereditary neoplastic syndrome; Neoplastic Syndromes, Hereditary; Tumor predisposition; Hereditary Cancer Syndrome. Identifiers: Orphanet 140162, MedGen C0027672, MeSH D009386, MONDO:0015356.

Allele frequency attached by ClinVar (database versions not stated): gnomAD exomes below 0.00001; ExAC 0.00001.
gnomAD v4.1: 6 of 1,613,996 alleles (0.00037%); highest among the groups gnomAD compares: South Asian, 0.0011%; no homozygotes.

Submissions (2):

Ambry Genetics
Classification: Likely benign for Hereditary cancer-predisposing syndrome. Last evaluated: 2026-03-19. Review status: criteria provided, single submitter. Criteria: Ambry Variant Classification Scheme 2023. Collection method: clinical testing. Allele origin: germline.

Labcorp Genetics (formerly Invitae), Labcorp
Classification: Uncertain significance for Von Hippel-Lindau syndrome; Chuvash polycythemia. Last evaluated: 2021-11-23. Review status: criteria provided, single submitter. Criteria: Invitae Variant Classification Sherloc (09022015). Collection method: clinical testing. Allele origin: germline.
Comment: This sequence change replaces glutamine, which is neutral and polar, with glutamic acid, which is acidic and polar, at codon 145 of the VHL protein (p.Gln145Glu). This variant is present in population databases (rs749704215, gnomAD 0.003%). This variant has not been reported in the literature in individuals affected with VHL-related conditions. ClinVar contains an entry for this variant (Variation ID: 1060596). Advanced modeling of protein sequence and biophysical properties (such as structural, functional, and spatial information, amino acid conservation, physicochemical variation, residue mobility, and thermodynamic stability) performed at Invitae indicates that this missense variant is expected to disrupt VHL protein function. In summary, the available evidence is currently insufficient to determine the role of this variant in disease. Therefore, it has been classified as a Variant of Uncertain Significance.

Literature cited by the submitters: PubMed 38969834 (cited by Ambry Genetics).

NM_000551.4(VHL):c.433C>G (p.Gln145Glu)

Genes: VHL (von Hippel-Lindau tumor suppressor; plus strand), LOC107303340 (3p25 von Hippel-Lindau tumor suppressor, E3 ubiquitin protein ligase Alu-mediated recombination region; plus strand). Cytogenetic location: 3p25.3.
Variant type: single nucleotide variant.
Coding change: c.433C>G on transcript NM_000551.4 (MANE Select); coding-DNA position 433, C replaced by G.
Protein change: p.Gln145Glu; replaces glutamine 145 with glutamic acid.
Molecular consequence: missense variant. On other transcripts: intron variant (2).
Genome position (GRCh38, 1-based): chr3:10,146,606, C>G. VCF-style: chr3-10146606-C-G. GRCh37 (hg19) VCF-style: chr3-10188290-C-G.
Other names: c.*18-3181C>G (NM_001354723.2); c.341-3181C>G (NM_198156.3); short protein forms Q145E.
Identifiers: ClinVar variation 1060596 (VCV001060596.10), dbSNP rs749704215, ClinGen allele CA040972.